The following is an entry in ClinVar:

NM_201596.3(CACNB2):c.1718A>G (p.Asp573Gly)

Gene: CACNB2 (calcium voltage-gated channel auxiliary subunit beta 2; plus strand). Cytogenetic location: 10p12.31.
Variant type: single nucleotide variant.
Coding change: c.1718A>G on transcript NM_201596.3 (MANE Select); coding-DNA position 1718, A replaced by G.
Protein change: p.Asp573Gly; replaces aspartic acid 573 with glycine.
Molecular consequence: missense variant.
Genome position (GRCh38, 1-based): chr10:18,539,459, A>G. VCF-style: chr10-18539459-A-G. GRCh37 (hg19) VCF-style: chr10-18828388-A-G.
Other names: c.1553A>G, p.Asp518Gly (NM_000724.4); c.1520A>G, p.Asp507Gly (NM_001167945.2); c.1439A>G, p.Asp480Gly (NM_001330060.2); c.1460A>G, p.Asp487Gly (NM_001410882.1); c.1574A>G, p.Asp525Gly (NM_201570.3); c.1634A>G, p.Asp545Gly (NM_201571.4); c.1562A>G, p.Asp521Gly (NM_201572.4); c.1556A>G, p.Asp519Gly (NM_201590.3); and 2 more; short protein forms D487G, D518G, D519G, D573G, D480G, D521G, D525G, D545G.
Identifiers: ClinVar variation 2625182 (VCV002625182.2), dbSNP rs773534767, ClinGen allele CA5430142.

ClinVar aggregate classification (germline): Uncertain significance (1 of 4 stars; one submission).

Conditions:
Cardiovascular phenotype. Identifiers: MedGen CN230736.

gnomAD v4.1: 2 of 1,614,014 alleles (0.00012%); highest among the groups gnomAD compares: Admixed American, 0.0033%; no homozygotes.

Submission:

Ambry Genetics
Classification: Uncertain significance for Cardiovascular phenotype. Last evaluated: 2023-08-30. Review status: criteria provided, single submitter. Criteria: Ambry Variant Classification Scheme 2023. Collection method: clinical testing. Allele origin: germline.
Comment: The p.D519G variant (also known as c.1556A>G), located in coding exon 13 of the CACNB2 gene, results from an A to G substitution at nucleotide position 1556. The aspartic acid at codon 519 is replaced by glycine, an amino acid with similar properties. This amino acid position is conserved. In addition, this alteration is predicted to be tolerated by in silico analysis. Since supporting evidence is limited at this time, the clinical significance of this alteration remains unclear.